The following is an entry in ClinVar:

NM_032043.3(BRIP1):c.2379+5G>T

Gene: BRIP1 (BRCA1 interacting DNA helicase 1; minus strand). Cytogenetic location: 17q23.2.
Variant type: single nucleotide variant.
Coding change: c.2379+5G>T on transcript NM_032043.3 (MANE Select); 5 bases into the intron after coding-DNA position 2379, G replaced by T.
Molecular consequence: intron variant.
Genome position (GRCh38, 1-based): chr17:61,743,008, C>A on the plus strand (G>T on the coding strand, the complement: BRIP1 is on the minus strand). VCF-style: chr17-61743008-C-A. GRCh37 (hg19) VCF-style: chr17-59820369-C-A.
Identifiers: ClinVar variation 3482458 (VCV003482458.1).
Genomic context (GRCh38, chr17:61,743,008, plus strand): 5'-GCAATTAACTTTATACAAAACCAATGACTCCTGTAATAATAAAACTTAAGGTTTTGATGG[C>A]CTACCTGTAGATCTTTCACATTTGGAAAAGGAATTCCTATTGTTATGACAGCACGGGCAT-3'

ClinVar aggregate classification (germline): Uncertain significance (1 of 4 stars; one submission).

Conditions:
Hereditary cancer-predisposing syndrome. Also called: Tumor predisposition; Neoplastic Syndromes, Hereditary; Hereditary Cancer Syndrome; Hereditary neoplastic syndrome. Identifiers: Orphanet 140162, MedGen C0027672, MeSH D009386, MONDO:0015356.

Submission:

Ambry Genetics
Classification: Uncertain significance for Hereditary cancer-predisposing syndrome. Last evaluated: 2024-10-16. Review status: criteria provided, single submitter. Criteria: Ambry Variant Classification Scheme 2023. Collection method: clinical testing. Allele origin: germline.
Comment: The c.2379+5G>T intronic variant results from a G to T substitution 5 nucleotides after coding exon 15 in the BRIP1 gene. This nucleotide position is well conserved in available vertebrate species. In silico splice site analysis predicts that this alteration may weaken the native splice donor site. Based on the available evidence, the clinical significance of this variant remains unclear.